The following is an entry in ClinVar:

NM_006545.5(NPRL2):c.100C>T (p.Arg34Ter)

Gene: NPRL2 (NPR2 like, GATOR1 complex subunit; minus strand). Cytogenetic location: 3p21.31.
Variant type: single nucleotide variant.
Coding change: c.100C>T on transcript NM_006545.5 (MANE Select); coding-DNA position 100, C replaced by T.
Protein change: p.Arg34Ter; replaces arginine 34 with a stop codon.
Molecular consequence: nonsense.
Genome position (GRCh38, 1-based): chr3:50,350,001, G>A on the plus strand (C>T on the coding strand, the complement: NPRL2 is on the minus strand). VCF-style: chr3-50350001-G-A. GRCh37 (hg19) VCF-style: chr3-50387432-G-A.
Other names: short protein forms R34*.
Identifiers: ClinVar variation 254362 (VCV000254362.13), dbSNP rs886037963, ClinGen allele CA10586475.

ClinVar aggregate classification (germline): Conflicting classifications of pathogenicity. Review status: criteria provided, conflicting classifications (1 of 4 stars). 9 submissions from 9 submitters: Pathogenic (4); Likely pathogenic (2); Uncertain significance (1). 2 of the submissions do not count toward it. Last evaluated 2026-04-01.

Conditions:
Epilepsy, familial focal, with variable foci 2 (FFEVF2). Identifiers: MedGen C4310709, MONDO:0014924, OMIM 617116.
Inborn genetic diseases. Identifiers: MedGen C0950123, MeSH D030342.
Seizure. Also called: Seizures. Identifiers: MedGen C0036572, HP:0001250.

Allele frequency attached by ClinVar (database versions not stated): gnomAD exomes below 0.00001.
gnomAD v4.1: 1 of 1,613,724 alleles (0.000062%); highest among the groups gnomAD compares: East Asian, 0.0022%; no homozygotes.

Submissions (9):

CeGaT Center for Human Genetics Tuebingen
Classification: Likely pathogenic. Last evaluated: 2026-04-01. Review status: criteria provided, single submitter. Criteria: CeGaT Center For Human Genetics Tuebingen Variant Classification Criteria Version 2. Collection method: clinical testing. Allele origin: germline. Affected: yes. Observed: 1 variant allele.
Comment: NPRL2: PVS1:Strong, PM2, PS4:Moderate

3billion
Classification: Pathogenic for Epilepsy, familial focal, with variable foci 2. Last evaluated: 2025-10-14. Review status: criteria provided, single submitter. Criteria: ACMG Guidelines, 2015. Collection method: clinical testing. Allele origin: germline. Affected: yes.
Comment: The variant is observed at an extremely low frequency in the gnomAD v4.1.0 dataset (total allele frequency: <0.001%). Predicted Consequence/Location: Stop-gained (nonsense): predicted to result in a loss or disruption of normal protein function through nonsense-mediated decay (NMD) or protein truncation. Multiple pathogenic variants are reported downstream of the variant. The variant has been reported at least twice as pathogenic without evidence for the classification (ClinVar ID: VCV000254362 /PMID: 26505888). Therefore, this variant is classified as Pathogenic according to the recommendation of ACMG/AMP guideline.

Institute of Human Genetics, University of Leipzig Medical Center
Classification: Pathogenic for Epilepsy, familial focal, with variable foci 2. Last evaluated: 2025-06-05. Review status: criteria provided, single submitter. Criteria: ACMG Guidelines, 2015. Collection method: clinical testing. Allele origin: unknown. Inheritance: Autosomal dominant inheritance. Affected: yes.
Comment: Criteria applied: PVS1,PS4_MOD,PM2_SUP

Victorian Clinical Genetics Services, Murdoch Childrens Research Institute
Classification: Uncertain significance for Epilepsy, familial focal, with variable foci 2. Last evaluated: 2023-12-21. Review status: criteria provided, single submitter. Criteria: ACMG Guidelines, 2015. Collection method: clinical testing. Allele origin: germline. Inheritance: Autosomal dominant inheritance. Affected: yes.
Comment: Based on the classification scheme VCGS_Germline_v1.3.4, this variant is classified as VUS-3A. Following criteria are met: 0102 - Loss of function is a reported mechanism of disease for a missense variant in this gene (PMID: 31639411) and is associated with familial focal epilepsy, with variable foci 2 (MIM#617116). (I) 0107 - This gene is associated with autosomal dominant disease. (I) 0112 - The condition associated with this gene has incomplete penetrance. Most families with pathogenic variants in this gene have unaffected carriers (PMID: 26505888, PMID: 27173016, PMID: 28199897). (I) 0115 - Variants in this gene are known to have variable expressivity, where intrafamilial variability has been reported (PMID: 27173016). (I) 0204 - Variant is predicted to result in a truncated protein (premature termination codon is located within the first 102 nucleotides of the coding sequence and is predicted to escape nonsense-mediated decay). (SP) 0251 - This variant is heterozygous. (I) 0301 - Variant is absent from gnomAD (both v2 and v3). (SP) 0704 - Another truncating variant comparable to the one identified in this case has limited previous evidence for pathogenicity. Truncating variant p.(Ile23Asnfs*6), has been reported in a family with familial focal epilepsy with variable foci. This variant was noted to have incomplete penetrance, with some carriers being unaffected (PMID: 27173016). (SP) 0802 - This variant has moderate previous evidence of pathogenicity in unrelated individuals. This variant has been reported as pathogenic by diagnostic laboratories in ClinVar and has been reported in an additional family with nocturnal frontal lobe epilepsy (PMIDs: 30093711, 33461085). (SP) 0905 - No published segregation evidence has been identified for this variant. (I) 1010 - Functional evidence for this variant is inconclusive. Transfected HEK293 cells have demonstrated that this variant had no significant impact on mTORC1 activity. However, authors speculated the assay may not be indicative of an in vivo environment (PMID: 31639411). (I) Legend: (SP) - Supporting pathogenic, (I) - Information, (SB) - Supporting benign

GeneDx
Classification: Pathogenic. Last evaluated: 2023-02-13. Review status: criteria provided, single submitter. Criteria: GeneDx Variant Classification Process June 2021. Collection method: clinical testing. Allele origin: germline. Affected: yes.
Comment: Published functional studies suggest partial loss of function of the variant onmTORC1 repression activity (Dawson et al., 2020); Nonsense variant predicted to result in protein truncation or nonsense mediated decay in a gene for which loss of function is a known mechanism of disease; Not observed at significant frequency in large population cohorts (gnomAD); Previously reported in association with focal epilepsy (Ricos et al., 2016; Baldassari et al., 2019)); This variant is associated with the following publications: (PMID: 33461085, 30093711, 31639411, 26505888)

Institute of Human Genetics Munich, TUM University Hospital
Classification: Likely pathogenic for Epilepsy, familial focal, with variable foci 2. Last evaluated: 2021-09-13. Review status: criteria provided, single submitter. Criteria: Classification criteria August 2017. Collection method: clinical testing. Allele origin: germline. Inheritance: Autosomal dominant inheritance. Affected: yes. Observed: 1 variant allele.

Ambry Genetics
Classification: Pathogenic for Inborn genetic diseases. Last evaluated: 2018-02-07. Review status: criteria provided, single submitter. Criteria: Ambry exome assertion method (8-5-2015). Collection method: clinical testing. Allele origin: germline. Affected: yes. Observed: 1 variant allele.

OMIM
Classification: Pathogenic for EPILEPSY, FAMILIAL FOCAL, WITH VARIABLE FOCI 2. Last evaluated: 2016-09-21. Review status: no assertion criteria provided. Collection method: literature only. Allele origin: germline. Not counted in ClinVar's aggregate classification.

Diagnostic Laboratory, Strasbourg University Hospital
Classification: Pathogenic for Seizure. Review status: no assertion criteria provided. Collection method: clinical testing. Allele origin: maternal. Affected: yes. Observed: 1 heterozygote. Not counted in ClinVar's aggregate classification.

Literature cited by the submitters: PubMed 26505888 (cited by 4 submitters); PubMed 27173016 (cited by Victorian Clinical Genetics Services, Murdoch Childrens Research Institute); PubMed 28199897 (cited by Victorian Clinical Genetics Services, Murdoch Childrens Research Institute); PubMed 30093711 (cited by Victorian Clinical Genetics Services, Murdoch Childrens Research Institute); PubMed 31639411 (cited by Victorian Clinical Genetics Services, Murdoch Childrens Research Institute); PubMed 33461085 (cited by Victorian Clinical Genetics Services, Murdoch Childrens Research Institute).